The following is an entry in ClinVar:

ClinVar aggregate classification (germline): Uncertain significance (1 of 4 stars; one submission).

Allele frequency attached by ClinVar (database versions not stated): ExAC 0.00001; gnomAD 0.00001; gnomAD exomes 0.00001 and 0.00002; TOPMed 0.00002.
gnomAD v4.1: 35 of 1,613,986 alleles (0.0022%); highest among the groups gnomAD compares: Non-Finnish European, 0.0028%; no homozygotes.

Submission:

Labcorp Genetics (formerly Invitae), Labcorp
Classification: Uncertain significance. Last evaluated: 2025-10-29. Review status: criteria provided, single submitter. Criteria: Invitae Variant Classification Sherloc (09022015). Collection method: clinical testing. Allele origin: germline.
Comment: This sequence change replaces alanine, which is neutral and non-polar, with valine, which is neutral and non-polar, at codon 358 of the GORAB protein (p.Ala358Val). This variant is present in population databases (rs750687373, gnomAD 0.002%). This variant has not been reported in the literature in individuals affected with GORAB-related conditions. ClinVar contains an entry for this variant (Variation ID: 1466745). An algorithm developed to predict the effect of missense changes on protein structure and function (PolyPhen-2) suggests that this variant is likely to be disruptive. In summary, the available evidence is currently insufficient to determine the role of this variant in disease. Therefore, it has been classified as a Variant of Uncertain Significance.

NM_152281.3(GORAB):c.998C>T (p.Ala333Val)

Gene: GORAB (golgin, RAB6 interacting; plus strand). Cytogenetic location: 1q24.2.
Variant type: single nucleotide variant.
Coding change: c.998C>T on transcript NM_152281.3 (MANE Select); coding-DNA position 998, C replaced by T.
Protein change: p.Ala333Val; replaces alanine 333 with valine.
Molecular consequence: missense variant. On other transcripts: non-coding transcript variant (1).
Genome position (GRCh38, 1-based): chr1:170,552,350, C>T. VCF-style: chr1-170552350-C-T. GRCh37 (hg19) VCF-style: chr1-170521491-C-T.
Other names: c.533C>T, p.Ala178Val (NM_001320252.2); short protein forms A333V, A178V.
Identifiers: ClinVar variation 1466745 (VCV001466745.6), dbSNP rs750687373, ClinGen allele CA1239289.